The following is an entry in ClinVar:

ClinVar aggregate classification (germline): Benign. Review status: criteria provided, multiple submitters, no conflicts (2 of 4 stars). 2 submissions from 2 submitters: Benign (2). Last evaluated 2018-06-14.

Allele frequency attached by ClinVar (database versions not stated): ESP Exome Variant Server 0.19376; gnomAD exomes 0.20231; gnomAD 0.21685 and 0.21879; TOPMed 0.22439; 1000 Genomes Project 30x 0.27374; ExAC 0.27466; 1000 Genomes Project 0.27556.
gnomAD v4.1: 232,572 of 1,242,436 alleles (19%); highest among the groups gnomAD compares: East Asian, 45%; 23,712 homozygotes.

Submissions (2):

GeneDx
Classification: Benign. Last evaluated: 2018-06-14. Review status: criteria provided, single submitter. Criteria: GeneDx Variant Classification (06012015). Collection method: clinical testing. Allele origin: germline. Affected: yes.
Comment: This variant is considered likely benign or benign based on one or more of the following criteria: it is a conservative change, it occurs at a poorly conserved position in the protein, it is predicted to be benign by multiple in silico algorithms, and/or has population frequency not consistent with disease.

Breakthrough Genomics
Classification: Benign. Review status: criteria provided, single submitter. Criteria: ACMG Guidelines, 2015. Collection method: not provided. Allele origin: germline. Inheritance: Autosomal dominant inheritance. Affected: yes.

NM_006939.4(SOS2):c.87+37G>A

Gene: SOS2 (SOS Ras/Rho guanine nucleotide exchange factor 2; minus strand). Cytogenetic location: 14q21.3.
Variant type: single nucleotide variant.
Coding change: c.87+37G>A on transcript NM_006939.4 (MANE Select); 37 bases into the intron after coding-DNA position 87, G replaced by A.
Molecular consequence: intron variant.
Genome position (GRCh38, 1-based): chr14:50,231,160, C>T on the plus strand (G>A on the coding strand, the complement: SOS2 is on the minus strand). VCF-style: chr14-50231160-C-T. GRCh37 (hg19) VCF-style: chr14-50697878-C-T.
Identifiers: ClinVar variation 561591 (VCV000561591.2), dbSNP rs2273326, ClinGen allele CA7177639.